The following is an entry in ClinVar:

NM_001166108.2(PALLD):c.980A>G (p.His327Arg)

Gene: PALLD (palladin, cytoskeletal associated protein; plus strand). Cytogenetic location: 4q32.3.
Variant type: single nucleotide variant.
Coding change: c.980A>G on transcript NM_001166108.2 (MANE Select); coding-DNA position 980, A replaced by G.
Protein change: p.His327Arg; replaces histidine 327 with arginine.
Molecular consequence: missense variant. On other transcripts: 5 prime UTR variant (1).
Genome position (GRCh38, 1-based): chr4:168,668,261, A>G. VCF-style: chr4-168668261-A-G. GRCh37 (hg19) VCF-style: chr4-169589412-A-G.
Other names: c.-167A>G (NM_001166109.2); c.980A>G, p.His327Arg (NM_016081.4); short protein forms H327R.
Identifiers: ClinVar variation 1768275 (VCV001768275.2), dbSNP rs768606490, ClinGen allele CA3135484.

ClinVar aggregate classification (germline): Uncertain significance (1 of 4 stars; one submission).

Allele frequency attached by ClinVar (database versions not stated): ExAC 0.00001; gnomAD exomes 0.00001.
gnomAD v4.1: 7 of 1,613,910 alleles (0.00043%); highest among the groups gnomAD compares: Admixed American, 0.0017%; no homozygotes.

Submission:

Ambry Genetics
Classification: Uncertain significance. Last evaluated: 2022-10-15. Review status: criteria provided, single submitter. Criteria: Ambry Variant Classification Scheme 2023. Collection method: clinical testing. Allele origin: germline.
Comment: The p.H327R variant (also known as c.980A>G), located in coding exon 2 of the PALLD gene, results from an A to G substitution at nucleotide position 980. The histidine at codon 327 is replaced by arginine, an amino acid with highly similar properties. This amino acid position is conserved. In addition, the in silico prediction for this alteration is inconclusive. Since supporting evidence is limited at this time, the clinical significance of this alteration remains unclear.